The following is an entry in ClinVar:

NM_019032.6(ADAMTSL4):c.759_777del (p.Arg254fs)

Genes: ADAMTSL4 (ADAMTS like 4; plus strand), ADAMTSL4-AS2 (ADAMTSL4 antisense RNA 2; minus strand). Cytogenetic location: 1q21.2.
Variant type: Deletion.
Coding change: c.759_777del on transcript NM_019032.6 (MANE Select); coding-DNA positions 759 to 777, 19 bases deleted (CAGAGCCCAGGCCTCTGGC).
Protein change: p.Arg254fs; shifts the reading frame from arginine 254.
Molecular consequence: frameshift variant.
Genome position (GRCh38, 1-based): chr1:150,553,750-150,553,768, CAGAGCCCAGGCCTCTGGC deleted; deleting any 19 consecutive bases within chr1:150,553,749-150,553,768 gives the same sequence; the c. name uses the placement nearest the transcript's 3' end. VCF-style (leftmost placement, unchanged base first): chr1-150553748-CCCAGAGCCCAGGCCTCTGG-C. GRCh37 (hg19) VCF-style: chr1-150526224-CCCAGAGCCCAGGCCTCTGG-C.
Other names: c.759_777del, p.Arg254fs (NM_025008.5, NM_001288607.2, NM_001288608.2 and 1 more transcripts); short protein forms R254fs.
Identifiers: ClinVar variation 3687526 (VCV003687526.2).
Genomic context (GRCh38, chr1:150,553,748, plus strand): 5'-CCTGAAACTGCTCAGACAGAGGTGGCCCCCAGAACCAGGCCTGCCCCCCTACGGCATCAC[CCCAGAGCCCAGGCCTCTGG>C]CACAGAGCCCCCCTCACCCACGCACTCCTTAGGAGAAGGTGGCTTCTTCCGTGCATCCCC-3'

ClinVar aggregate classification (germline): Pathogenic (1 of 4 stars; one submission).

Submission:

Labcorp Genetics (formerly Invitae), Labcorp
Classification: Pathogenic. Last evaluated: 2024-12-19. Review status: criteria provided, single submitter. Criteria: Invitae Variant Classification Sherloc (09022015). Collection method: clinical testing. Allele origin: germline.
Comment: This sequence change creates a premature translational stop signal (p.Arg254Glnfs*10) in the ADAMTSL4 gene. It is expected to result in an absent or disrupted protein product. Loss-of-function variants in ADAMTSL4 are known to be pathogenic (PMID: 20564469, 28642162). This variant is not present in population databases (gnomAD no frequency). This variant has not been reported in the literature in individuals affected with ADAMTSL4-related conditions. For these reasons, this variant has been classified as Pathogenic.

Literature cited by the submitters: PubMed 20564469; PubMed 28642162.